The following is an entry in ClinVar:

NM_001165963.4(SCN1A):c.4186T>G (p.Cys1396Gly)

Genes: SCN1A (sodium voltage-gated channel alpha subunit 1; minus strand), LOC102724058 (uncharacterized LOC102724058; plus strand). Cytogenetic location: 2q24.3.
Variant type: single nucleotide variant.
Coding change: c.4186T>G on transcript NM_001165963.4 (MANE Select); coding-DNA position 4186, T replaced by G.
Protein change: p.Cys1396Gly; replaces cysteine 1396 with glycine.
Molecular consequence: missense variant. On other transcripts: non-coding transcript variant (1).
Genome position (GRCh38, 1-based): chr2:166,002,570, A>C on the plus strand (T>G on the coding strand, the complement: SCN1A is on the minus strand). VCF-style: chr2-166002570-A-C. GRCh37 (hg19) VCF-style: chr2-166859080-A-C.
Other names: c.4102T>G, p.Cys1368Gly (NM_001165964.3, NM_001353957.2, NM_001353958.2); c.4186T>G, p.Cys1396Gly (NM_001202435.3, NM_001353948.2); c.4153T>G, p.Cys1385Gly (NM_001353949.2, NM_001353950.2, NM_001353951.2 and 2 more transcripts); c.4150T>G, p.Cys1384Gly (NM_001353954.2, NM_001353955.2); c.4099T>G, p.Cys1367Gly (NM_001353960.2); c.1744T>G, p.Cys582Gly (NM_001353961.2); short protein forms C1385G, C1396G, C1384G, C1367G, C1368G, C582G.
Identifiers: ClinVar variation 68538 (VCV000068538.6), dbSNP rs121917987, ClinGen allele CA284943.

ClinVar aggregate classification (germline): Pathogenic. Review status: criteria provided, single submitter (1 of 4 stars). 2 submissions from 2 submitters: Pathogenic (1). 1 of the submissions does not count toward it. Last evaluated 2023-11-27.

Conditions:
Early-infantile DEE. Also called: Early infantile epileptic encephalopathy; Early infantile epileptic encephalopathy with suppression bursts; Ohtahara syndrome. Identifiers: Orphanet 1934, MedGen C0393706, MONDO:0800491.
Severe myoclonic epilepsy in infancy (DRVT). Also called: SEVERE MYOCLONIC EPILEPSY OF INFANCY; DEVELOPMENTAL AND EPILEPTIC ENCEPHALOPATHY 6A; Severe Myoclonic Epilepsy in Infancy (SMEI); Dravet syndrome; Epileptic encephalopathy, early infantile, 6 (Dravet syndrome). Identifiers: Orphanet 33069, MedGen C0751122, MONDO:0100135, OMIM 607208.

Submissions (2):

Labcorp Genetics (formerly Invitae), Labcorp
Classification: Pathogenic for Early-infantile DEE. Last evaluated: 2023-11-27. Review status: criteria provided, single submitter. Criteria: Invitae Variant Classification Sherloc (09022015). Collection method: clinical testing. Allele origin: germline.
Comment: This sequence change replaces cysteine, which is neutral and slightly polar, with glycine, which is neutral and non-polar, at codon 1396 of the SCN1A protein (p.Cys1396Gly). This variant is not present in population databases (gnomAD no frequency). This missense change has been observed in individual(s) with epileptic encephalopathy (PMID: 17347258). In at least one individual the variant was observed to be de novo. ClinVar contains an entry for this variant (Variation ID: 68538). Advanced modeling of protein sequence and biophysical properties (such as structural, functional, and spatial information, amino acid conservation, physicochemical variation, residue mobility, and thermodynamic stability) performed at Invitae indicates that this missense variant is expected to disrupt SCN1A protein function with a positive predictive value of 95%. For these reasons, this variant has been classified as Pathogenic.

UniProtKB/Swiss-Prot
No classification provided. Condition: Severe myoclonic epilepsy in infancy. Review status: no classification provided. Collection method: not provided. Allele origin: unknown. Not counted in ClinVar's aggregate classification.

Literature cited by the submitters: PubMed 17347258 (cited by Labcorp Genetics (formerly Invitae), Labcorp).